The following is an entry in ClinVar:

NM_002693.3(POLG):c.119_130del (p.Arg40_Gln43del)

Genes: POLG (DNA polymerase gamma, catalytic subunit; minus strand), POLGARF (POLG alternative reading frame; minus strand). Cytogenetic location: 15q26.1.
Variant type: Deletion.
Coding change: c.119_130del on transcript NM_002693.3 (MANE Select); coding-DNA positions 119 to 130, 12 bases deleted (GGCGGCGGCAGC).
Protein change: p.Arg40_Gln43del.
Molecular consequence: inframe deletion.
Genome position (GRCh38, 1-based): chr15:89,333,625-89,333,636, GCTGCCGCCGCC deleted on the plus strand (GGCGGCGGCAGC on the coding strand, the reverse complement: POLG is on the minus strand); deleting any 12 consecutive bases within chr15:89,333,625-89,333,642 gives the same sequence; the c. name uses the placement nearest the transcript's 3' end. VCF-style (leftmost placement, unchanged base first): chr15-89333624-TGCTGCCGCCGCC-T. GRCh37 (hg19) VCF-style: chr15-89876855-TGCTGCCGCCGCC-T.
Other names: c.119_130del, p.Arg40_Gln43del (NM_001126131.2).
Identifiers: ClinVar variation 1427904 (VCV001427904.8), dbSNP rs1274859892, ClinGen allele CA716918325.

ClinVar aggregate classification (germline): Uncertain significance (1 of 4 stars; one submission).

Conditions:
Progressive sclerosing poliodystrophy (MTDPS4A). Also called: ALPERS PROGRESSIVE INFANTILE POLIODYSTROPHY; NEURONAL DEGENERATION OF CHILDHOOD WITH LIVER DISEASE, PROGRESSIVE; Alpers Syndrome; ALPERS DIFFUSE DEGENERATION OF CEREBRAL GRAY MATTER WITH HEPATIC CIRRHOSIS; Alpers-Huttenlocher Syndrome; Mitochondrial DNA depletion syndrome 4A (Alpers type). Identifiers: Orphanet 726, MedGen C0205710, MONDO:0008758, OMIM 203700.

Submission:

Labcorp Genetics (formerly Invitae), Labcorp
Classification: Uncertain significance for Progressive sclerosing poliodystrophy. Last evaluated: 2025-05-25. Review status: criteria provided, single submitter. Criteria: Invitae Variant Classification Sherloc (09022015). Collection method: clinical testing. Allele origin: germline.
Comment: This variant, c.119_130del, results in the deletion of 4 amino acid(s) of the POLG protein (p.Arg40_Gln43del), but otherwise preserves the integrity of the reading frame. This variant is not present in population databases (gnomAD no frequency). This variant has not been reported in the literature in individuals affected with POLG-related conditions. ClinVar contains an entry for this variant (Variation ID: 1427904). Experimental studies and prediction algorithms are not available or were not evaluated, and the functional significance of this variant is currently unknown. In summary, the available evidence is currently insufficient to determine the role of this variant in disease. Therefore, it has been classified as a Variant of Uncertain Significance.